The following is an entry in ClinVar:

NM_001376.5(DYNC1H1):c.4796G>A (p.Arg1599Lys)

Gene: DYNC1H1 (dynein cytoplasmic 1 heavy chain 1; plus strand). Cytogenetic location: 14q32.31.
Variant type: single nucleotide variant.
Coding change: c.4796G>A on transcript NM_001376.5 (MANE Select); coding-DNA position 4796, G replaced by A.
Protein change: p.Arg1599Lys; replaces arginine 1599 with lysine.
Molecular consequence: missense variant.
Genome position (GRCh38, 1-based): chr14:102,002,878, G>A. VCF-style: chr14-102002878-G-A. GRCh37 (hg19) VCF-style: chr14-102469215-G-A.
Other names: short protein forms R1599K.
Identifiers: ClinVar variation 1313957 (VCV001313957.2), dbSNP rs2141287068, ClinGen allele CA391043538.

ClinVar aggregate classification (germline): Uncertain significance (1 of 4 stars; one submission).

Submission:

GeneDx
Classification: Uncertain significance. Last evaluated: 2021-01-12. Review status: criteria provided, single submitter. Criteria: GeneDx Variant Classification Process June 2021. Collection method: clinical testing. Allele origin: germline. Affected: yes.
Comment: Not observed in large population cohorts (Lek et al., 2016); In silico analysis supports that this missense variant does not alter protein structure/function; Has not been previously published as pathogenic or benign to our knowledge